The following is an entry in ClinVar:

ClinVar aggregate classification (germline): Conflicting classifications of pathogenicity. Review status: criteria provided, conflicting classifications (1 of 4 stars). 6 submissions from 6 submitters: Uncertain significance (2); Likely benign (2). 2 of the submissions do not count toward it. Last evaluated 2023-11-21.

Conditions:
Cardiovascular phenotype. Identifiers: MedGen CN230736.
Monogenic diabetes. Identifiers: Orphanet 183625, MedGen C3888631, MONDO:0015967.
Alstrom syndrome (ALMS). Identifiers: Orphanet 64, MedGen C0268425, MONDO:0008763, OMIM 203800.

Allele frequency attached by ClinVar (database versions not stated): gnomAD 0.00001; gnomAD exomes 0.00002 and 0.00003; TOPMed 0.00002; ExAC 0.00004; ESP Exome Variant Server 0.00008.
gnomAD v4.1: 37 of 1,612,744 alleles (0.0023%); highest among the groups gnomAD compares: South Asian, 0.0077%; no homozygotes.

Submissions (6):

Ambry Genetics
Classification: Likely benign for Cardiovascular phenotype. Last evaluated: 2023-11-21. Review status: criteria provided, single submitter. Criteria: Ambry Variant Classification Scheme 2023. Collection method: clinical testing. Allele origin: germline.

Blueprint Genetics
Classification: Uncertain significance. Last evaluated: 2023-03-30. Review status: criteria provided, single submitter. Criteria: ACMG Guidelines, 2015. Collection method: clinical testing. Allele origin: germline.

Labcorp Genetics (formerly Invitae), Labcorp
Classification: Uncertain significance for Alstrom syndrome. Last evaluated: 2022-08-22. Review status: criteria provided, single submitter. Criteria: Invitae Variant Classification Sherloc (09022015). Collection method: clinical testing. Allele origin: germline.
Comment: This sequence change replaces proline, which is neutral and non-polar, with leucine, which is neutral and non-polar, at codon 1389 of the ALMS1 protein (p.Pro1389Leu). This variant is present in population databases (rs377354387, gnomAD 0.01%). This variant has not been reported in the literature in individuals affected with ALMS1-related conditions. ClinVar contains an entry for this variant (Variation ID: 393372). Algorithms developed to predict the effect of missense changes on protein structure and function output the following: SIFT: "Not Available"; PolyPhen-2: "Not Available"; Align-GVGD: "Not Available". The leucine amino acid residue is found in multiple mammalian species, which suggests that this missense change does not adversely affect protein function. In summary, the available evidence is currently insufficient to determine the role of this variant in disease. Therefore, it has been classified as a Variant of Uncertain Significance.

Personalized Diabetes Medicine Program, University of Maryland School of Medicine
Classification: Likely benign for Monogenic diabetes. Last evaluated: 2016-07-19. Review status: criteria provided, single submitter. Criteria: ACMG Guidelines, 2015. Collection method: research. Allele origin: unknown. Observed: 1 variant allele, 1 heterozygote.
Comment: ACMG Criteria: PP3, BP1, BP4

Natera, Inc.
Classification: Uncertain significance for Alstrom syndrome. Last evaluated: 2020-09-16. Review status: no assertion criteria provided. Collection method: clinical testing. Allele origin: germline. Not counted in ClinVar's aggregate classification.

Counsyl
Classification: Uncertain significance for Alstrom syndrome. Last evaluated: 2017-05-12. Review status: no assertion criteria provided. Collection method: clinical testing. Allele origin: unknown. Not counted in ClinVar's aggregate classification.

NM_001378454.1(ALMS1):c.4163C>T (p.Pro1388Leu)

Gene: ALMS1 (ALMS1 centrosome and basal body associated protein; plus strand). Cytogenetic location: 2p13.1.
Variant type: single nucleotide variant.
Coding change: c.4163C>T on transcript NM_001378454.1 (MANE Select); coding-DNA position 4163, C replaced by T.
Protein change: p.Pro1388Leu; replaces proline 1388 with leucine.
Molecular consequence: missense variant.
Genome position (GRCh38, 1-based): chr2:73,450,690, C>T. VCF-style: chr2-73450690-C-T. GRCh37 (hg19) VCF-style: chr2-73677817-C-T.
Other names: c.4166C>T, p.Pro1389Leu (NM_015120.4); short protein forms P1389L, P1388L.
Identifiers: ClinVar variation 393372 (VCV000393372.8), dbSNP rs377354387, ClinGen allele CA1713648.